The following is an entry in ClinVar:

ClinVar aggregate classification (germline): Uncertain significance (1 of 4 stars; one submission).

Conditions:
Inborn genetic diseases. Identifiers: MedGen C0950123, MeSH D030342.

Submission:

Ambry Genetics
Classification: Uncertain significance for Inborn genetic diseases. Last evaluated: 2024-10-02. Review status: criteria provided, single submitter. Criteria: Ambry Variant Classification Scheme 2023. Collection method: clinical testing. Allele origin: germline.
Comment: The c.2942+4_2942+7delAGTG alteration is located in Intron 21 (E) of the ATP1A2 gene. This alteration consists of a deletion of 4 nucleotides at nucleotide position c.29424 Intron 21 (E). Based on insufficient or conflicting evidence, the clinical significance of this alteration remains unclear.

NM_000702.4(ATP1A2):c.2942+4_2942+7del

Gene: ATP1A2 (ATPase Na+/K+ transporting subunit alpha 2; plus strand). Cytogenetic location: 1q23.2.
Variant type: Microsatellite.
Coding change: c.2942+4_2942+7del on transcript NM_000702.4 (MANE Select); bases 4 to 7 of the intron after coding-DNA position 2942, 4 bases deleted (AGTG; older notation c.2942+4_2942+7delAGTG).
Molecular consequence: splice donor variant.
Genome position (GRCh38, 1-based): chr1:160,139,745-160,139,748, AGTG deleted; deleting any 4 consecutive bases within chr1:160,139,741-160,139,748 gives the same sequence; the c. name uses the placement nearest the transcript's 3' end. VCF-style (leftmost placement, unchanged base first): chr1-160139740-AAGTG-A. GRCh37 (hg19) VCF-style: chr1-160109530-AAGTG-A.
Identifiers: ClinVar variation 3455810 (VCV003455810.1).
Genomic context (GRCh38, chr1:160,139,740, plus strand): 5'-TTGGCTGCCTTTCTCTCTTACTGCCCAGGCATGGGTGTAGCCCTCCGCATGTACCCGCTC[AAGTG>A]AGTGTCTCTTTCGGGCGGCCTGAGTAGTCATACGGGGGGCCTTCAGCCCCCTCCAGGATC-3'